The following is an entry in ClinVar:

NM_015450.3(POT1):c.1501T>C (p.Tyr501His)

Gene: POT1 (protection of telomeres 1; minus strand). Cytogenetic location: 7q31.33.
Variant type: single nucleotide variant.
Coding change: c.1501T>C on transcript NM_015450.3 (MANE Select); coding-DNA position 1501, T replaced by C.
Protein change: p.Tyr501His; replaces tyrosine 501 with histidine.
Molecular consequence: missense variant. On other transcripts: non-coding transcript variant (3).
Genome position (GRCh38, 1-based): chr7:124,835,283, A>G on the plus strand (T>C on the coding strand, the complement: POT1 is on the minus strand). VCF-style: chr7-124835283-A-G. GRCh37 (hg19) VCF-style: chr7-124475337-A-G.
Other names: c.1108T>C, p.Tyr370His (NM_001042594.2); c.1501T>C (NM_015450.2); short protein forms Y370H, Y501H.
Identifiers: ClinVar variation 1391977 (VCV001391977.10), dbSNP rs776299237, ClinGen allele CA4465106.

ClinVar aggregate classification (germline): Uncertain significance. Review status: criteria provided, multiple submitters, no conflicts (2 of 4 stars). 2 submissions from 2 submitters: Uncertain significance (2). Last evaluated 2023-07-08.

Conditions:
Tumor predisposition syndrome 3 (TPDS3). Also called: Melanoma, cutaneous malignant, susceptibility to, 10; Glioma susceptibility 9; LONG TELOMERE SYNDROME, POT1-RELATED; POT1 Tumor Predisposition. Identifiers: Orphanet 618, MedGen C4014476, MONDO:0014368, OMIM 615848.
Hereditary cancer-predisposing syndrome. Also called: Tumor predisposition; Neoplastic Syndromes, Hereditary; Hereditary Cancer Syndrome; Hereditary neoplastic syndrome. Identifiers: Orphanet 140162, MedGen C0027672, MeSH D009386, MONDO:0015356.

Allele frequency attached by ClinVar (database versions not stated): gnomAD exomes below 0.00001; ExAC 0.00001.
gnomAD v4.1: 1 of 1,605,786 alleles (0.000062%); highest among the groups gnomAD compares: Non-Finnish European, 0.000085%; no homozygotes.

Submissions (2):

Ambry Genetics
Classification: Uncertain significance for Hereditary cancer-predisposing syndrome. Last evaluated: 2023-07-08. Review status: criteria provided, single submitter. Criteria: Ambry Variant Classification Scheme 2023. Collection method: clinical testing. Allele origin: germline.
Comment: The p.Y501H variant (also known as c.1501T>C), located in coding exon 11 of the POT1 gene, results from a T to C substitution at nucleotide position 1501. The tyrosine at codon 501 is replaced by histidine, an amino acid with similar properties. This amino acid position is conserved. In addition, the in silico prediction for this alteration is inconclusive. Since supporting evidence is limited at this time, the clinical significance of this alteration remains unclear.

Labcorp Genetics (formerly Invitae), Labcorp
Classification: Uncertain significance for Tumor predisposition syndrome 3. Last evaluated: 2021-05-08. Review status: criteria provided, single submitter. Criteria: Invitae Variant Classification Sherloc (09022015). Collection method: clinical testing. Allele origin: germline.
Comment: In summary, the available evidence is currently insufficient to determine the role of this variant in disease. Therefore, it has been classified as a Variant of Uncertain Significance. Algorithms developed to predict the effect of missense changes on protein structure and function (SIFT, PolyPhen-2, Align-GVGD) all suggest that this variant is likely to be disruptive, but these predictions have not been confirmed by published functional studies and their clinical significance is uncertain. This variant has not been reported in the literature in individuals with POT1-related conditions. This variant is present in population databases (rs776299237, ExAC 0.002%). This sequence change replaces tyrosine with histidine at codon 501 of the POT1 protein (p.Tyr501His). The tyrosine residue is highly conserved and there is a moderate physicochemical difference between tyrosine and histidine.